The following is an entry in ClinVar:

NM_030632.3(ASXL3):c.3547C>G (p.Gln1183Glu)

Gene: ASXL3 (ASXL transcriptional regulator 3; plus strand). Cytogenetic location: 18q12.1.
Variant type: single nucleotide variant.
Coding change: c.3547C>G on transcript NM_030632.3 (MANE Select); coding-DNA position 3547, C replaced by G.
Protein change: p.Gln1183Glu; replaces glutamine 1183 with glutamic acid.
Molecular consequence: missense variant.
Genome position (GRCh38, 1-based): chr18:33,743,395, C>G. VCF-style: chr18-33743395-C-G. GRCh37 (hg19) VCF-style: chr18-31323359-C-G.
Other names: short protein forms Q1183E.
Identifiers: ClinVar variation 666797 (VCV000666797.4), dbSNP rs1599571554, ClinGen allele CA402185570.

ClinVar aggregate classification (germline): Uncertain significance (1 of 4 stars; one submission).

Submission:

Laboratory for Molecular Medicine, Mass General Brigham Personalized Medicine
Classification: Uncertain significance. Last evaluated: 2018-11-21. Review status: criteria provided, single submitter. Criteria: LMM Criteria. Collection method: clinical testing. Allele origin: germline. Observed: 1 variant allele.
Comment: The p.Gln1183Glu variant in ASXL3 has not been previously reported in individual s with Bainbridge-Ropers syndrome and was absent from large population studies. Computational prediction tools and conservation analysis do not provide strong e vidence for or against an impact to the protein. In summary, the clinical signif icance of the p.Gln1183Glu variant is uncertain. ACMG/AMP Criteria applied: PM2.